The following is an entry in ClinVar:

NM_001003800.2(BICD2):c.2368C>T (p.Leu790=)

Gene: BICD2 (BICD cargo adaptor 2; minus strand). Cytogenetic location: 9q22.31.
Variant type: single nucleotide variant.
Coding change: c.2368C>T on transcript NM_001003800.2 (MANE Select); coding-DNA position 2368, C replaced by T.
Protein change: p.Leu790=; no amino-acid change (leucine 790 retained).
Molecular consequence: synonymous variant.
Genome position (GRCh38, 1-based): chr9:92,715,354, G>A on the plus strand (C>T on the coding strand, the complement: BICD2 is on the minus strand). VCF-style: chr9-92715354-G-A. GRCh37 (hg19) VCF-style: chr9-95477636-G-A.
Other names: c.2368C>T, p.Leu790= (NM_015250.4).
Identifiers: ClinVar variation 2659306 (VCV002659306.27), dbSNP rs200816999, ClinGen allele CA5126317.
Genomic context (GRCh38, chr9:92,715,354, plus strand): 5'-GGCCACGCCGGGTCTGCTCATGGTCCAGCTCGAGCAGCTCCAGCCGCTGGGTCAGCGCCA[G>A]CTTCTGCTGGATGGCCATGCGCAGCAGCGAGTTCAGCGTCTTCTTCTCGTCCTCAGCAGC-3'
Protein context (NP_001003800.1, residues 780-800): SLLRMAIQQK[Leu790=]ALTQRLELLE

ClinVar aggregate classification (germline): Conflicting classifications of pathogenicity. Review status: criteria provided, conflicting classifications (1 of 4 stars). 2 submissions from 2 submitters: Uncertain significance (1); Likely benign (1). Last evaluated 2024-12-24.

Conditions:
Autosomal dominant childhood-onset proximal spinal muscular atrophy with contractures (SMALED2A). Also called: Spinal muscular atrophy, lower extremity-predominant, 2A, autosomal dominant; SPINAL MUSCULAR ATROPHY, LOWER EXTREMITY-PREDOMINANT, 2A, CHILDHOOD ONSET, AUTOSOMAL DOMINANT. Identifiers: Orphanet 363447, Orphanet 363454, MedGen C4747715, MONDO:0014121, OMIM 615290.

Allele frequency attached by ClinVar (database versions not stated): gnomAD 0.00001; gnomAD exomes 0.00001; ExAC 0.00004; 1000 Genomes Project 30x 0.00016; 1000 Genomes Project 0.00020.
gnomAD v4.1: 20 of 1,613,128 alleles (0.0012%); highest among the groups gnomAD compares: East Asian, 0.04%; no homozygotes.

Submissions (2):

Labcorp Genetics (formerly Invitae), Labcorp
Classification: Likely benign for Autosomal dominant childhood-onset proximal spinal muscular atrophy with contractures. Last evaluated: 2024-12-24. Review status: criteria provided, single submitter. Criteria: Invitae Variant Classification Sherloc (09022015). Collection method: clinical testing. Allele origin: germline.

CeGaT Center for Human Genetics Tuebingen
Classification: Uncertain significance. Last evaluated: 2023-10-01. Review status: criteria provided, single submitter. Criteria: CeGaT Center For Human Genetics Tuebingen Variant Classification Criteria Version 2. Collection method: clinical testing. Allele origin: germline. Affected: yes. Observed: 1 variant allele.
Comment: BICD2: PM2:Supporting, BP4